The following is an entry in ClinVar:

NM_005188.4(CBL):c.2070G>T (p.Glu690Asp)

Gene: CBL (Cbl proto-oncogene; plus strand). Cytogenetic location: 11q23.3.
Variant type: single nucleotide variant.
Coding change: c.2070G>T on transcript NM_005188.4 (MANE Select); coding-DNA position 2070, G replaced by T.
Protein change: p.Glu690Asp; replaces glutamic acid 690 with aspartic acid.
Molecular consequence: missense variant.
Genome position (GRCh38, 1-based): chr11:119,296,951, G>T. VCF-style: chr11-119296951-G-T. GRCh37 (hg19) VCF-style: chr11-119167661-G-T.
Other names: short protein forms E690D.
Identifiers: ClinVar variation 2567309 (VCV002567309.2), dbSNP rs2135319820, ClinGen allele CA382926646.

ClinVar aggregate classification (germline): Uncertain significance (1 of 4 stars; one submission).

Conditions:
Cardiovascular phenotype. Identifiers: MedGen CN230736.

Submission:

Ambry Genetics
Classification: Uncertain significance for Cardiovascular phenotype. Last evaluated: 2023-06-09. Review status: criteria provided, single submitter. Criteria: Ambry Variant Classification Scheme 2023. Collection method: clinical testing. Allele origin: germline.
Comment: The p.E690D variant (also known as c.2070G>T), located in coding exon 13 of the CBL gene, results from a G to T substitution at nucleotide position 2070. The glutamic acid at codon 690 is replaced by aspartic acid, an amino acid with highly similar properties. This amino acid position is conserved. In addition, this alteration is predicted to be tolerated by in silico analysis. Since supporting evidence is limited at this time, the clinical significance of this alteration remains unclear.